The following is an entry in ClinVar:

NM_017565.4(FAM20A):c.1122T>C (p.Asn374=)

Genes: FAM20A (FAM20A golgi associated secretory pathway pseudokinase; minus strand), PRKAR1A (protein kinase cAMP-dependent type I regulatory subunit alpha; plus strand). Cytogenetic location: 17q24.2.
Variant type: single nucleotide variant.
Coding change: c.1122T>C on transcript NM_017565.4 (MANE Select); coding-DNA position 1122, T replaced by C.
Protein change: p.Asn374=; no amino-acid change (asparagine 374 retained).
Molecular consequence: synonymous variant. On other transcripts: non-coding transcript variant (1), intron variant (1).
Genome position (GRCh38, 1-based): chr17:68,540,946, A>G on the plus strand (T>C on the coding strand, the complement: FAM20A is on the minus strand). VCF-style: chr17-68540946-A-G. GRCh37 (hg19) VCF-style: chr17-66537087-A-G.
Other names: c.708T>C, p.Asn236= (NM_001243746.2); c.974-10138A>G (NM_001276290.1).
Identifiers: ClinVar variation 4822994 (VCV004822994.4).

ClinVar aggregate classification (germline): Likely benign (1 of 4 stars; one submission).

gnomAD v4.1: 25 of 1,591,910 alleles (0.0016%); highest among the groups gnomAD compares: Admixed American, 0.042%; no homozygotes.

Submission:

CeGaT Center for Human Genetics Tuebingen
Classification: Likely benign. Last evaluated: 2026-01-01. Review status: criteria provided, single submitter. Criteria: CeGaT Center For Human Genetics Tuebingen Variant Classification Criteria Version 2. Collection method: clinical testing. Allele origin: germline. Affected: yes. Observed: 1 variant allele.
Comment: FAM20A: BP4, BP7